The following is an entry in ClinVar:

ClinVar aggregate classification (germline): Likely benign. Review status: criteria provided, multiple submitters, no conflicts (2 of 4 stars). 3 submissions from 3 submitters: Likely benign (2). 1 of the submissions does not count toward it. Last evaluated 2024-10-11.

Conditions:
BRSK2-related disorder. Also called: BRSK2-related condition; BRSK2-Related Disorders.

Allele frequency attached by ClinVar (database versions not stated): ExAC 0.00121; ESP Exome Variant Server 0.00125; gnomAD 0.00281; TOPMed 0.00284; 1000 Genomes Project 30x 0.00484; 1000 Genomes Project 0.00539.
gnomAD v4.1: 1,463 of 1,611,910 alleles (0.091%); highest among the groups gnomAD compares: East Asian, 1.5%; 12 homozygotes.

Submissions (3):

Blueprint Genetics
Classification: Likely benign. Last evaluated: 2024-10-11. Review status: criteria provided, single submitter. Criteria: ACMG Guidelines, 2015. Collection method: clinical testing. Allele origin: germline.

CeGaT Center for Human Genetics Tuebingen
Classification: Likely benign. Last evaluated: 2024-01-01. Review status: criteria provided, single submitter. Criteria: CeGaT Center For Human Genetics Tuebingen Variant Classification Criteria Version 2. Collection method: clinical testing. Allele origin: germline. Affected: yes. Observed: 3 variant alleles.
Comment: BRSK2: BP4, BP7, BS2

PreventionGenetics, part of Exact Sciences
Classification: Benign for BRSK2-related condition. Last evaluated: 2021-06-15. Review status: no assertion criteria provided. Collection method: clinical testing. Allele origin: germline. Not counted in ClinVar's aggregate classification.
Comment: This variant is classified as benign based on ACMG/AMP sequence variant interpretation guidelines (Richards et al. 2015 PMID: 25741868, with internal and published modifications).

NM_001256627.2(BRSK2):c.900C>T (p.Pro300=)

Gene: BRSK2 (BR serine/threonine kinase 2; plus strand). Cytogenetic location: 11p15.5.
Variant type: single nucleotide variant.
Coding change: c.900C>T on transcript NM_001256627.2 (MANE Select); coding-DNA position 900, C replaced by T.
Protein change: p.Pro300=; no amino-acid change (proline 300 retained).
Molecular consequence: synonymous variant. On other transcripts: non-coding transcript variant (1).
Genome position (GRCh38, 1-based): chr11:1,445,381, C>T. VCF-style: chr11-1445381-C-T. GRCh37 (hg19) VCF-style: chr11-1466611-C-T.
Other names: c.900C>T, p.Pro300= (NM_001256629.2, NM_003957.4); c.1038C>T, p.Pro346= (NM_001256630.1); c.720C>T, p.Pro240= (NM_001282218.2); c.900C>T (NM_001256627.1).
Identifiers: ClinVar variation 2641325 (VCV002641325.26), dbSNP rs56369975, ClinGen allele CA5810731.